The following is an entry in ClinVar:

NM_006885.4(ZFHX3):c.1824C>T (p.Ser608=)

Gene: ZFHX3 (zinc finger homeobox 3; minus strand). Cytogenetic location: 16q22.3.
Variant type: single nucleotide variant.
Coding change: c.1824C>T on transcript NM_006885.4 (MANE Select); coding-DNA position 1824, C replaced by T.
Protein change: p.Ser608=; no amino-acid change (serine 608 retained).
Molecular consequence: synonymous variant. On other transcripts: intron variant (1).
Genome position (GRCh38, 1-based): chr16:72,958,322, G>A on the plus strand (C>T on the coding strand, the complement: ZFHX3 is on the minus strand). VCF-style: chr16-72958322-G-A. GRCh37 (hg19) VCF-style: chr16-72992221-G-A.
Other names: c.1824C>T, p.Ser608= (NM_001386735.1); c.-23-7357C>T (NM_001164766.2).
Identifiers: ClinVar variation 1333077 (VCV001333077.5), dbSNP rs61735550, ClinGen allele CA8164624.

ClinVar aggregate classification (germline): Benign. Review status: criteria provided, multiple submitters, no conflicts (2 of 4 stars). 3 submissions from 3 submitters: Benign (2). 1 of the submissions does not count toward it. Last evaluated 2022-01-05.

Conditions:
ZFHX3-related disorder. Also called: ZFHX3-related condition.

Allele frequency attached by ClinVar (database versions not stated): 1000 Genomes Project 0.08307; 1000 Genomes Project 30x 0.08401; TOPMed 0.15417; gnomAD 0.16876 and 0.17226; gnomAD exomes 0.17712 and 0.23682; ESP Exome Variant Server 0.18067.
gnomAD v4.1: 369,923 of 1,613,898 alleles (23%); highest among the groups gnomAD compares: Non-Finnish European, 27%; 48,066 homozygotes.

Submissions (3):

GeneDx
Classification: Benign. Last evaluated: 2022-01-05. Review status: criteria provided, single submitter. Criteria: GeneDx Variant Classification Process June 2021. Collection method: clinical testing. Allele origin: germline. Affected: yes.

Breakthrough Genomics
Classification: Benign. Review status: criteria provided, single submitter. Criteria: ACMG Guidelines, 2015. Collection method: not provided. Allele origin: germline. Inheritance: Autosomal dominant inheritance. Affected: yes.

PreventionGenetics, part of Exact Sciences
Classification: Benign for ZFHX3-related condition. Last evaluated: 2019-10-21. Review status: no assertion criteria provided. Collection method: clinical testing. Allele origin: germline. Not counted in ClinVar's aggregate classification.
Comment: This variant is classified as benign based on ACMG/AMP sequence variant interpretation guidelines (Richards et al. 2015 PMID: 25741868, with internal and published modifications).